The following is an entry in ClinVar:

ClinVar aggregate classification (germline): Pathogenic. Review status: criteria provided, multiple submitters, no conflicts (2 of 4 stars). 7 submissions from 7 submitters: Pathogenic (4). 3 of the submissions do not count toward it. Last evaluated 2026-09-24.

Conditions:
Fetal anomalies with a likely genetic cause.
GNPTAB-Related Disorders. Also called: GNPTAB-related disorder; GNPTAB-related condition. Identifiers: MedGen CN381523.
Mucolipidosis type II. Also called: Mucolipidosis II Alpha/Beta; Mucolipidosis 2; ML 2; Inclusion cell disease; Leroy Disease; N-acetylglucosamine 1phosphotransferase deficiency. Identifiers: Orphanet 576, MedGen C2673377, MONDO:0009650, OMIM 252500.
Pseudo-Hurler polydystrophy. Also called: Type III Mucolipidosis; ML IIIA; Mucolipidosis III Alpha/Beta; MUCOLIPIDOSIS IIIA; ML III; ML III ALPHA/BETA. Identifiers: Orphanet 423461, Orphanet 577, MedGen C0033788, MONDO:0018931, OMIM 252600.

Submissions (7):

Genetics Laboratory, Great Ormond Street Hospital NHS Foundation Trust, North Thames Genomic Laboratory Hub
Classification: Pathogenic for Fetal anomalies with a likely genetic cause. Last evaluated: 2026-09-24. Review status: criteria provided, single submitter. Criteria: ACGS Best Practice Guidelines for Variant Classification in Rare Disease 2024 v1.2. Collection method: clinical testing. Allele origin: germline. Affected: yes.
Comment: PM2_moderate, PVS1_very-strong, PM3_moderate

Blueprint Genetics
Classification: Pathogenic for GNPTAB-related disorders. Last evaluated: 2024-10-01. Review status: criteria provided, single submitter. Criteria: ACMG Guidelines, 2015. Collection method: clinical testing. Allele origin: germline. Affected: yes. Observed: 5 variant alleles.

Labcorp Genetics (formerly Invitae), Labcorp
Classification: Pathogenic for Pseudo-Hurler polydystrophy; Mucolipidosis type II. Last evaluated: 2021-08-14. Review status: criteria provided, single submitter. Criteria: Invitae Variant Classification Sherloc (09022015). Collection method: clinical testing. Allele origin: germline.
Comment: For these reasons, this variant has been classified as Pathogenic. This variant has been observed in individual(s) with GNPTAB-related conditions (PMID: 16465621, 19617216, 19659762). This variant is also known as c.1744delC, p.Cys528fs*546. ClinVar contains an entry for this variant (Variation ID: 38414). This variant is present in population databases (rs775700652, ExAC 0.3%). This sequence change creates a premature translational stop signal (p.Cys528Valfs*19) in the GNPTAB gene. It is expected to result in an absent or disrupted protein product. Loss-of-function variants in GNPTAB are known to be pathogenic (PMID: 19617216, 25107912).

Women's Health and Genetics/Laboratory Corporation of America, LabCorp
Classification: Pathogenic for Mucolipidosis type II. Last evaluated: 2016-08-25. Review status: criteria provided, single submitter. Criteria: LabCorp Variant Classification Summary - May 2015. Collection method: clinical testing. Allele origin: germline.
Comment: Variant summary: The GNPTAB c.1581delC (p.Cys528Valfs) variant results in a premature termination codon, predicted to cause a truncated or absent GNPTAB protein due to nonsense mediated decay, which are commonly known mechanisms for disease. The variant of interest was observed in the large, broad control population, ExAC, with an allele frequency of 26/121412 (1/4670), which does not exceed the estimated maximal expected allele frequency for a pathogenic GNPTAB variant of 1/447. The variant of interest has been reported in multiple affected individuals as homozygotes and compound hetereozygotes. In addition, GeneReviews cites the variant as "pathogenic." Therefore, the variant of interest has been classified as Pathogenic.

Natera, Inc.
Classification: Pathogenic for Mucolipidosis type II. Last evaluated: 2020-09-16. Review status: no assertion criteria provided. Collection method: clinical testing. Allele origin: germline. Not counted in ClinVar's aggregate classification.

Counsyl
Classification: Pathogenic for Mucolipidosis type II; Pseudo-Hurler polydystrophy. Last evaluated: 2017-09-18. Review status: no assertion criteria provided. Collection method: clinical testing. Allele origin: unknown. Not counted in ClinVar's aggregate classification.

GeneReviews
Classification: Pathogenic for Mucolipidosis III Alpha/Beta. Last evaluated: 2012-05-10. Review status: no assertion criteria provided. Collection method: curation. Allele origin: unknown. Not counted in ClinVar's aggregate classification.
ClinVar note: Converted during submission from pathologic to Pathogenic.

Literature cited by the submitters: PubMed 16465621 (cited by 3 submitters); PubMed 19617216 (cited by 3 submitters); PubMed 19659762 (cited by 3 submitters); PubMed 25107912 (cited by Labcorp Genetics (formerly Invitae), Labcorp); PubMed 18190596 (cited by Women's Health and Genetics/Laboratory Corporation of America, LabCorp).

NM_024312.5(GNPTAB):c.1581del (p.Cys528fs)

Gene: GNPTAB (N-acetylglucosamine-1-phosphate transferase subunits alpha and beta; minus strand). Cytogenetic location: 12q23.2.
Variant type: Deletion.
Coding change: c.1581del on transcript NM_024312.5 (MANE Select); coding-DNA position 1581, one base deleted (C; older notation c.1581delC).
Protein change: p.Cys528fs; shifts the reading frame from cysteine 528.
Molecular consequence: frameshift variant.
Genome position (GRCh38, 1-based): chr12:101,766,122, G deleted on the plus strand (C on the coding strand, the reverse complement: GNPTAB is on the minus strand); the first of 2 consecutive G bases (chr12:101,766,122-101,766,123); deleting either gives the same sequence. VCF-style (leftmost placement, unchanged base first): chr12-101766121-AG-A. GRCh37 (hg19) VCF-style: chr12-102159899-AG-A.
Other names: AY687932:c.1580delC; c.1581delC (NM_024312.5, NM_024312.4); short protein forms C528fs.
Identifiers: ClinVar variation 38414 (VCV000038414.13), dbSNP rs36007394, ClinGen allele CA343062.
Genomic context (GRCh38, chr12:101,766,121, plus strand): 5'-CCATTCTTATTTGTTTGGCAGTAAACATACCTTGCCCACAGTCGCCAGCATCAAACCCAC[AG>A]GACAAGACATTGCATGCTTGGTCACAGAACTTATCAGCGAGCCAGGAATTCGCACATCCC-3'